The following is an entry in ClinVar:

ClinVar aggregate classification (germline): Benign (1 of 4 stars; one submission).

Allele frequency attached by ClinVar (database versions not stated): gnomAD 0.93443 and 0.92978; 1000 Genomes Project 30x 0.91693; 1000 Genomes Project 0.92312; TOPMed 0.92601.
gnomAD v4.1: 142,365 of 152,260 alleles (94%); highest among the groups gnomAD compares: East Asian, 100%; 67,288 homozygotes.

Submission:

GeneDx
Classification: Benign. Last evaluated: 2018-06-19. Review status: criteria provided, single submitter. Criteria: GeneDx Variant Classification (06012015). Collection method: clinical testing. Allele origin: germline. Affected: yes.
Comment: This variant is considered likely benign or benign based on one or more of the following criteria: it is a conservative change, it occurs at a poorly conserved position in the protein, it is predicted to be benign by multiple in silico algorithms, and/or has population frequency not consistent with disease.

NM_021252.5(RAB18):c.446-288C>T

Gene: RAB18 (RAB18, member RAS oncogene family; plus strand). Cytogenetic location: 10p12.1.
Variant type: single nucleotide variant.
Coding change: c.446-288C>T on transcript NM_021252.5 (MANE Select); 288 bases into the intron before coding-DNA position 446, C replaced by T.
Molecular consequence: intron variant.
Genome position (GRCh38, 1-based): chr10:27,537,588, C>T. VCF-style: chr10-27537588-C-T. GRCh37 (hg19) VCF-style: chr10-27826517-C-T.
Other names: c.533-288C>T (NM_001256410.2); c.379-288C>T (NM_001256411.2); c.254-288C>T (NM_001256412.2).
Identifiers: ClinVar variation 684031 (VCV000684031.1), dbSNP rs2763307, ClinGen allele CA204506809.